The following is an entry in ClinVar:

NM_004517.4(ILK):c.435A>C (p.Arg145Ser)

Genes: TAF10 (TATA-box binding protein associated factor 10; minus strand), ILK (integrin linked kinase; plus strand). Cytogenetic location: 11p15.4.
Variant type: single nucleotide variant.
Coding change: c.435A>C on transcript NM_004517.4 (MANE Select); coding-DNA position 435, A replaced by C.
Protein change: p.Arg145Ser; replaces arginine 145 with serine.
Molecular consequence: missense variant. On other transcripts: 3 prime UTR variant (1), intron variant (1).
Genome position (GRCh38, 1-based): chr11:6,608,777, A>C. VCF-style: chr11-6608777-A-C. GRCh37 (hg19) VCF-style: chr11-6630007-A-C.
Other names: p.R145S:AGA>AGC; c.435A>C, p.Arg145Ser (NM_001014794.3, NM_001014795.3); c.33A>C, p.Arg11Ser (NM_001278442.2); c.*2145T>G (NM_006284.4); c.352-107A>C (NM_001278441.2); short protein forms R145S, R11S.
Identifiers: ClinVar variation 201785 (VCV000201785.14), dbSNP rs139640491, ClinGen allele CA335182.

ClinVar aggregate classification (germline): Benign. Review status: criteria provided, multiple submitters, no conflicts (2 of 4 stars). 3 submissions from 3 submitters: Benign (2). 1 of the submissions does not count toward it. Last evaluated 2026-01-15.

Conditions:
ILK-related disorder. Also called: ILK-related condition.
Primary familial hypertrophic cardiomyopathy (HCM). Identifiers: Orphanet 99739, MedGen C0949658, MeSH D024741, MONDO:0024573. Inheritance: Various modes of inheritance.

Allele frequency attached by ClinVar (database versions not stated): gnomAD 0.00019 and 0.00040; TOPMed 0.00037; gnomAD exomes 0.00061 and 0.00071; ExAC 0.00078; 1000 Genomes Project 30x 0.00265; 1000 Genomes Project 0.00280.

Submissions (3):

Labcorp Genetics (formerly Invitae), Labcorp
Classification: Benign for Primary familial hypertrophic cardiomyopathy. Last evaluated: 2026-01-15. Review status: criteria provided, single submitter. Criteria: Invitae Variant Classification Sherloc (09022015). Collection method: clinical testing. Allele origin: germline.

GeneDx
Classification: Benign. Last evaluated: 2018-02-21. Review status: criteria provided, single submitter. Criteria: GeneDx Variant Classification (06012015). Collection method: clinical testing. Allele origin: germline. Affected: yes.
Comment: This variant is considered likely benign or benign based on one or more of the following criteria: it is a conservative change, it occurs at a poorly conserved position in the protein, it is predicted to be benign by multiple in silico algorithms, and/or has population frequency not consistent with disease.

PreventionGenetics, part of Exact Sciences
Classification: Likely benign for ILK-related condition. Last evaluated: 2019-04-01. Review status: no assertion criteria provided. Collection method: clinical testing. Allele origin: germline. Not counted in ClinVar's aggregate classification.
Comment: This variant is classified as likely benign based on ACMG/AMP sequence variant interpretation guidelines (Richards et al. 2015 PMID: 25741868, with internal and published modifications).